The following is an entry in ClinVar:

ClinVar aggregate classification (germline): Uncertain significance. Review status: criteria provided, multiple submitters, no conflicts (2 of 4 stars). 2 submissions from 2 submitters: Uncertain significance (2). Last evaluated 2024-11-15.

Conditions:
Pierson syndrome. Also called: MICROCORIA-CONGENITAL NEPHROTIC SYNDROME. Identifiers: Orphanet 2670, MedGen C1836876, MONDO:0012184, OMIM 609049.
LAMB2-related infantile-onset nephrotic syndrome. Also called: NEPHROTIC SYNDROME, TYPE 5, WITHOUT OCULAR ABNORMALITIES; NEPHROTIC SYNDROME, TYPE 5, WITH OCULAR ABNORMALITIES; Nephrotic Syndrome, type 5. Identifiers: Orphanet 306507, MedGen C3280113, MONDO:0013621, OMIM 614199.
Inborn genetic diseases. Identifiers: MedGen C0950123, MeSH D030342.

Allele frequency attached by ClinVar (database versions not stated): TOPMed below 0.00001; gnomAD 0.00001 and 0.00002; ExAC 0.00005.
gnomAD v4.1: 26 of 1,614,072 alleles (0.0016%); highest among the groups gnomAD compares: South Asian, 0.0033%; no homozygotes.

Submissions (2):

Ambry Genetics
Classification: Uncertain significance for Inborn genetic diseases. Last evaluated: 2024-11-15. Review status: criteria provided, single submitter. Criteria: Ambry Variant Classification Scheme 2023. Collection method: clinical testing. Allele origin: germline.

Labcorp Genetics (formerly Invitae), Labcorp
Classification: Uncertain significance for LAMB2-related infantile-onset nephrotic syndrome; Pierson syndrome. Last evaluated: 2020-06-17. Review status: criteria provided, single submitter. Criteria: Invitae Variant Classification Sherloc (09022015). Collection method: clinical testing. Allele origin: germline.
Comment: In summary, the available evidence is currently insufficient to determine the role of this variant in disease. Therefore, it has been classified as a Variant of Uncertain Significance. Algorithms developed to predict the effect of missense changes on protein structure and function are either unavailable or do not agree on the potential impact of this missense change (SIFT: "Deleterious"; PolyPhen-2: "Possibly Damaging"; Align-GVGD: "Class C15"). This variant has not been reported in the literature in individuals with LAMB2-related conditions. This variant is present in population databases (rs760505149, ExAC 0.009%). This sequence change replaces proline with leucine at codon 404 of the LAMB2 protein (p.Pro404Leu). The proline residue is highly conserved and there is a moderate physicochemical difference between proline and leucine.

NM_002292.4(LAMB2):c.1211C>T (p.Pro404Leu)

Gene: LAMB2 (laminin subunit beta 2; minus strand). Cytogenetic location: 3p21.31.
Variant type: single nucleotide variant.
Coding change: c.1211C>T on transcript NM_002292.4 (MANE Select); coding-DNA position 1211, C replaced by T.
Protein change: p.Pro404Leu; replaces proline 404 with leucine.
Molecular consequence: missense variant.
Genome position (GRCh38, 1-based): chr3:49,130,245, G>A on the plus strand (C>T on the coding strand, the complement: LAMB2 is on the minus strand). VCF-style: chr3-49130245-G-A. GRCh37 (hg19) VCF-style: chr3-49167678-G-A.
Other names: c.1211C>T (NM_002292.3); short protein forms P404L.
Identifiers: ClinVar variation 1054836 (VCV001054836.4), dbSNP rs760505149, ClinGen allele CA2394668.